The following is an entry in ClinVar:

ClinVar aggregate classification (germline): Likely pathogenic (1 of 4 stars; one submission).

Submission:

Labcorp Genetics (formerly Invitae), Labcorp
Classification: Likely pathogenic. Last evaluated: 2021-04-17. Review status: criteria provided, single submitter. Criteria: Invitae Variant Classification Sherloc (09022015). Collection method: clinical testing. Allele origin: germline.
Comment: Algorithms developed to predict the effect of sequence changes on RNA splicing suggest that this variant may disrupt the consensus splice site, but this prediction has not been confirmed by published transcriptional studies. This variant results in the deletion of part of exon 3 (c.300-11_300del) of the XPC gene. It is expected to disrupt RNA splicing. Variants that disrupt the donor or acceptor splice site typically lead to a loss of protein function (PMID: 16199547), and loss-of-function variants in XPC are known to be pathogenic (PMID: 23173980, 25256075). This variant is not present in population databases (ExAC no frequency). This variant has not been reported in the literature in individuals with XPC-related conditions. In summary, the currently available evidence indicates that the variant is pathogenic, but additional data are needed to prove that conclusively. Therefore, this variant has been classified as Likely Pathogenic.

Literature cited by the submitters: PubMed 16199547; PubMed 23173980; PubMed 25256075.

NM_004628.5(XPC):c.300-11_300del

Gene: XPC (XPC complex subunit, DNA damage recognition and repair factor; minus strand). Cytogenetic location: 3p25.1.
Variant type: Deletion.
Coding change: c.300-11_300del on transcript NM_004628.5 (MANE Select); 11 bases into the intron before coding-DNA position 300 through coding-DNA position 300, 12 bases deleted (TCTTTACACAGG).
Molecular consequence: splice acceptor variant.
Genome position (GRCh38, 1-based): chr3:14,170,550-14,170,561, CCTGTGTAAAGA deleted on the plus strand (TCTTTACACAGG on the coding strand, the reverse complement: XPC is on the minus strand); deleting any 12 consecutive bases within chr3:14,170,550-14,170,563 gives the same sequence; the c. name uses the placement nearest the transcript's 3' end. VCF-style (leftmost placement, unchanged base first): chr3-14170549-CCCTGTGTAAAGA-C. GRCh37 (hg19) VCF-style: chr3-14212049-CCCTGTGTAAAGA-C.
Other names: c.282-11_282del (NM_001354729.2); c.-156-11_-156del (NM_001354726.2); c.300-11_300del (NM_001354730.2, NM_001354727.2).
Identifiers: ClinVar variation 1491446 (VCV001491446.6), dbSNP rs2125043277, ClinGen allele CA2573136165.